The following is an entry in ClinVar:

NM_001009999.3(KDM1A):c.968A>G (p.Asp323Gly)

Gene: KDM1A (lysine demethylase 1A; plus strand). Cytogenetic location: 1p36.12.
Variant type: single nucleotide variant.
Coding change: c.968A>G on transcript NM_001009999.3 (MANE Select); coding-DNA position 968, A replaced by G.
Protein change: p.Asp323Gly; replaces aspartic acid 323 with glycine.
Molecular consequence: missense variant.
Genome position (GRCh38, 1-based): chr1:23,056,016, A>G. VCF-style: chr1-23056016-A-G. GRCh37 (hg19) VCF-style: chr1-23382509-A-G.
Other names: c.908A>G, p.Asp303Gly (NM_001363654.2, NM_001410763.1, NM_015013.4); c.968A>G, p.Asp323Gly (NM_001410762.1); short protein forms D323G, D303G.
Identifiers: ClinVar variation 4042157 (VCV004042157.1).

ClinVar aggregate classification (germline): Uncertain significance (1 of 4 stars; one submission).

Conditions:
Inborn genetic diseases. Identifiers: MedGen C0950123, MeSH D030342.

gnomAD v4.1: 7 of 1,612,338 alleles (0.00043%); highest among the groups gnomAD compares: Non-Finnish European, 0.00059%; no homozygotes.

Submission:

Ambry Genetics
Classification: Uncertain significance for Inborn genetic diseases. Last evaluated: 2025-05-24. Review status: criteria provided, single submitter. Criteria: Ambry Variant Classification Scheme 2023. Collection method: clinical testing. Allele origin: germline.
Comment: The p.D323G variant (also known as c.968A>G), located in coding exon 7 of the KDM1A gene, results from an A to G substitution at nucleotide position 968. The aspartic acid at codon 323 is replaced by glycine, an amino acid with similar properties. This amino acid position is conserved. In addition, this alteration is predicted to be deleterious by in silico analysis. Based on the available evidence, the clinical significance of this variant remains unclear.